The following is an entry in ClinVar:

ClinVar aggregate classification (germline): Likely pathogenic. Review status: criteria provided, multiple submitters, no conflicts (2 of 4 stars). 2 submissions from 2 submitters: Likely pathogenic (2). Last evaluated 2024-12-24.

Conditions:
Hereditary cancer-predisposing syndrome. Also called: Tumor predisposition; Neoplastic Syndromes, Hereditary; Hereditary Cancer Syndrome; Hereditary neoplastic syndrome. Identifiers: Orphanet 140162, MedGen C0027672, MeSH D009386, MONDO:0015356.

Submissions (2):

Ambry Genetics
Classification: Likely pathogenic for Hereditary cancer-predisposing syndrome. Last evaluated: 2024-12-24. Review status: criteria provided, single submitter. Criteria: Ambry Variant Classification Scheme 2023. Collection method: clinical testing. Allele origin: germline.
Comment: The c.5873delA variant, located in coding exon 15 of the APC gene, results from a deletion of one nucleotide at nucleotide position 5873, causing a translational frameshift with a predicted alternate stop codon (p.N1958Ifs*12). This alteration occurs at the 3' terminus of theAPC gene, is not expected to trigger nonsense-mediated mRNA decay, and impacts the last 31.2% of the protein. However, premature stop codons are typically deleterious in nature and the impacted region is critical for protein function (Ambry internal data). This variant was reported in individual(s) with features consistent with APC-related familial adenomatous polyposis (Friedl W et al. Hered Cancer Clin Pract, 2005 Sep;3:95-114; Friedl W et al. Gut, 2001 Apr;48:515-21). This variant is considered to be rare based on population cohorts in the Genome Aggregation Database (gnomAD). Based on the majority of available evidence to date, this variant is likely to be pathogenic.

ARUP Laboratories, Molecular Genetics and Genomics, ARUP Laboratories
Classification: Likely pathogenic. Last evaluated: 2024-12-07. Review status: criteria provided, single submitter. Criteria: ARUP Molecular Germline Variant Investigation Process 2024. Collection method: clinical testing. Allele origin: germline.
Comment: The APC c.5873del; p.Asn1958IlefsTer12 variant is reported in the literature in two individuals with adenomatous polyposis ((Friedl 2005, Friedl 2001). This variant is absent from the Genome Aggregation Database (v2.1.1), indicating it is not a common polymorphism. This variant causes a frameshift by deleting a single nucleotide, so it is predicted to result in a truncated protein or mRNA subject to nonsense-mediated decay. Based on available information, this variant is considered to be likely pathogenic. References: Friedl W et al. Familial adenomatous polyposis: experience from a study of 1164 unrelated german polyposis patients. Hered Cancer Clin Pract. 2005 Sep 15. PMID: 20223039. Friedl W et al. Can APC mutation analysis contribute to therapeutic decisions in familial adenomatous polyposis? Experience from 680 FAP families. Gut. 2001 Apr. PMID: 11247896.

Literature cited by the submitters: PubMed 11247896 (cited by Ambry Genetics); PubMed 20223039 (cited by Ambry Genetics).

NM_000038.6(APC):c.5873del (p.Asn1958fs)

Gene: APC (APC regulator of Wnt signaling pathway; plus strand). Cytogenetic location: 5q22.2.
Variant type: Deletion.
Coding change: c.5873del on transcript NM_000038.6 (MANE Select); coding-DNA position 5873, one base deleted (A; older notation c.5873delA).
Protein change: p.Asn1958fs; shifts the reading frame from asparagine 1958.
Molecular consequence: frameshift variant. On other transcripts: non-coding transcript variant (2).
Genome position (GRCh38, 1-based): chr5:112,841,467, A deleted; the last of 4 consecutive A bases (chr5:112,841,464-112,841,467); deleting any one gives the same sequence. VCF-style (leftmost placement, unchanged base first): chr5-112841463-GA-G. GRCh37 (hg19) VCF-style: chr5-112177160-GA-G.
Other names: c.5873del, p.Asn1958fs (NM_001127510.3, NM_001354895.2, NM_001407450.1); c.5819del, p.Asn1940fs (NM_001127511.3); c.5927del, p.Asn1976fs (NM_001354896.2, NM_001407447.1, NM_001407448.1 and 1 more transcripts); c.5903del, p.Asn1968fs (NM_001354897.2); c.5798del, p.Asn1933fs (NM_001354898.2); c.5789del, p.Asn1930fs (NM_001354899.2); c.5750del, p.Asn1917fs (NM_001354900.2); c.5696del, p.Asn1899fs (NM_001354901.2, NM_001407453.1); and 11 more; short protein forms N1574fs, N1933fs, N1968fs, N1675fs, N1798fs, N1857fs, N1867fs, N1899fs.
Identifiers: ClinVar variation 3881131 (VCV003881131.2).